The following is an entry in ClinVar:

NM_001080517.3(SETD5):c.189T>C (p.Pro63=)

Gene: SETD5 (SET domain containing 5; plus strand). Cytogenetic location: 3p25.3.
Variant type: single nucleotide variant.
Coding change: c.189T>C on transcript NM_001080517.3 (MANE Select); coding-DNA position 189, T replaced by C.
Protein change: p.Pro63=; no amino-acid change (proline 63 retained).
Molecular consequence: synonymous variant. On other transcripts: 5 prime UTR variant (2).
Genome position (GRCh38, 1-based): chr3:9,434,345, T>C. VCF-style: chr3-9434345-T-C. GRCh37 (hg19) VCF-style: chr3-9476029-T-C.
Other names: c.-145T>C (NM_001292043.2); c.-186T>C (NM_001349451.2).
Identifiers: ClinVar variation 3030652 (VCV003030652.4), dbSNP rs900251006, ClinGen allele CA69948980.

ClinVar aggregate classification (germline): Likely benign. Review status: criteria provided, single submitter (1 of 4 stars). 2 submissions from 2 submitters: Likely benign (1). 1 of the submissions does not count toward it. Last evaluated 2024-06-15.

Conditions:
SETD5-related disorder. Also called: SETD5-related disorders; SETD5-related condition.

Allele frequency attached by ClinVar (database versions not stated): gnomAD 0.00001; gnomAD exomes 0.00001.
gnomAD v4.1: 4 of 1,613,724 alleles (0.00025%); highest among the groups gnomAD compares: Non-Finnish European, 0.00034%; no homozygotes.

Submissions (2):

Labcorp Genetics (formerly Invitae), Labcorp
Classification: Likely benign. Last evaluated: 2024-06-15. Review status: criteria provided, single submitter. Criteria: Invitae Variant Classification Sherloc (09022015). Collection method: clinical testing. Allele origin: germline.

PreventionGenetics, part of Exact Sciences
Classification: Likely benign for SETD5-related condition. Last evaluated: 2023-08-22. Review status: no assertion criteria provided. Collection method: clinical testing. Allele origin: germline. Not counted in ClinVar's aggregate classification.
Comment: This variant is classified as likely benign based on ACMG/AMP sequence variant interpretation guidelines (Richards et al. 2015 PMID: 25741868, with internal and published modifications).